The following is an entry in ClinVar:

NM_020971.3(SPTBN4):c.707A>G (p.Asn236Ser)

Gene: SPTBN4 (spectrin beta, non-erythrocytic 4; plus strand). Cytogenetic location: 19q13.2.
Variant type: single nucleotide variant.
Coding change: c.707A>G on transcript NM_020971.3 (MANE Select); coding-DNA position 707, A replaced by G.
Protein change: p.Asn236Ser; replaces asparagine 236 with serine.
Molecular consequence: missense variant.
Genome position (GRCh38, 1-based): chr19:40,497,527, A>G. VCF-style: chr19-40497527-A-G. GRCh37 (hg19) VCF-style: chr19-41003434-A-G.
Other names: short protein forms N236S.
Identifiers: ClinVar variation 4530945 (VCV004530945.1).

ClinVar aggregate classification (germline): Uncertain significance (1 of 4 stars; one submission).

gnomAD v4.1: 12 of 1,614,112 alleles (0.00074%); highest among the groups gnomAD compares: Non-Finnish European, 0.001%; no homozygotes.

Submission:

GeneDx
Classification: Uncertain significance. Last evaluated: 2025-05-17. Review status: criteria provided, single submitter. Criteria: GeneDx Variant Classification Process June 2021. Collection method: clinical testing. Allele origin: germline. Affected: yes.
Comment: Not observed at significant frequency in large population cohorts (gnomAD); In silico analysis supports that this missense variant has a deleterious effect on protein structure/function; Has not been previously published as pathogenic or benign to our knowledge